The following is an entry in ClinVar:

ClinVar aggregate classification (germline): Uncertain significance (1 of 4 stars; one submission).

Submission:

GeneDx
Classification: Uncertain significance. Last evaluated: 2025-04-29. Review status: criteria provided, single submitter. Criteria: GeneDx Variant Classification Process June 2021. Collection method: clinical testing. Allele origin: germline. Affected: yes.
Comment: Not observed at significant frequency in large population cohorts (gnomAD); In silico analysis supports that this missense variant has a deleterious effect on protein structure/function; Has not been previously published as pathogenic or benign to our knowledge.

NM_001037333.3(CYFIP2):c.1468A>G (p.Thr490Ala)

Gene: CYFIP2 (cytoplasmic FMR1 interacting protein 2; plus strand). Cytogenetic location: 5q33.3.
Variant type: single nucleotide variant.
Coding change: c.1468A>G on transcript NM_001037333.3 (MANE Select); coding-DNA position 1468, A replaced by G.
Protein change: p.Thr490Ala; replaces threonine 490 with alanine.
Molecular consequence: missense variant.
Genome position (GRCh38, 1-based): chr5:157,319,873, A>G. VCF-style: chr5-157319873-A-G. GRCh37 (hg19) VCF-style: chr5-156746881-A-G.
Other names: c.1390A>G, p.Thr464Ala (NM_001291721.2); c.1468A>G, p.Thr490Ala (NM_001291722.2, NM_014376.4); short protein forms T464A, T490A.
Identifiers: ClinVar variation 4527194 (VCV004527194.1).